The following is an entry in ClinVar:

ClinVar aggregate classification (germline): Uncertain significance. Review status: criteria provided, multiple submitters, no conflicts (2 of 4 stars). 2 submissions from 2 submitters: Uncertain significance (2). Last evaluated 2019-09-30.

Conditions:
Hereditary sensory and autonomic neuropathy type 7. Also called: HSAN VII; Neuropathy, hereditary sensory and autonomic, type VII. Identifiers: Orphanet 391397, MedGen C3809882, MONDO:0014244, OMIM 615548.
Familial episodic pain syndrome with predominantly lower limb involvement. Also called: Episodic pain syndrome, familial, 3. Identifiers: Orphanet 391384, Orphanet 391392, MedGen C3809899, MONDO:0014247, OMIM 615552.

Allele frequency attached by ClinVar (database versions not stated): gnomAD exomes below 0.00001.
gnomAD v4.1: 1 of 1,614,072 alleles (0.000062%); no homozygotes.

Submissions (2):

Labcorp Genetics (formerly Invitae), Labcorp
Classification: Uncertain significance for Familial episodic pain syndrome with predominantly lower limb involvement; Hereditary sensory and autonomic neuropathy type 7. Last evaluated: 2019-09-30. Review status: criteria provided, single submitter. Criteria: Invitae Variant Classification Sherloc (09022015). Collection method: clinical testing. Allele origin: germline.
Comment: In summary, the available evidence is currently insufficient to determine the role of this variant in disease. Therefore, it has been classified as a Variant of Uncertain Significance. Algorithms developed to predict the effect of missense changes on protein structure and function (SIFT, PolyPhen-2, Align-GVGD) all suggest that this variant is likely to be disruptive, but these predictions have not been confirmed by published functional studies and their clinical significance is uncertain. This variant has not been reported in the literature in individuals with SCN11A-related conditions. This variant is not present in population databases (ExAC no frequency). This sequence change replaces threonine with serine at codon 584 of the SCN11A protein (p.Thr584Ser). The threonine residue is highly conserved and there is a small physicochemical difference between threonine and serine.

GeneDx
Classification: Uncertain significance. Last evaluated: 2019-06-03. Review status: criteria provided, single submitter. Criteria: GeneDx Variant Classification Process June 2021. Collection method: clinical testing. Allele origin: germline. Affected: yes.
Comment: Not observed in large population cohorts (Lek et al., 2016); In silico analysis, which includes protein predictors and evolutionary conservation, supports a deleterious effect; Has not been previously published as pathogenic or benign to our knowledge

NM_001349253.2(SCN11A):c.1751C>G (p.Thr584Ser)

Gene: SCN11A (sodium voltage-gated channel alpha subunit 11; minus strand). Cytogenetic location: 3p22.2.
Variant type: single nucleotide variant.
Coding change: c.1751C>G on transcript NM_001349253.2 (MANE Select); coding-DNA position 1751, C replaced by G.
Protein change: p.Thr584Ser; replaces threonine 584 with serine.
Molecular consequence: missense variant.
Genome position (GRCh38, 1-based): chr3:38,903,956, G>C on the plus strand (C>G on the coding strand, the complement: SCN11A is on the minus strand). VCF-style: chr3-38903956-G-C. GRCh37 (hg19) VCF-style: chr3-38945447-G-C.
Other names: c.1751C>G, p.Thr584Ser (NM_014139.3); short protein forms T584S.
Identifiers: ClinVar variation 969426 (VCV000969426.9), dbSNP rs2065746319, ClinGen allele CA352164417.